The following is an entry in ClinVar:

ClinVar aggregate classification (germline): Uncertain significance (1 of 4 stars; one submission).

Conditions:
Hereditary cancer-predisposing syndrome. Also called: Hereditary Cancer Syndrome; Hereditary neoplastic syndrome; Neoplastic Syndromes, Hereditary; Tumor predisposition. Identifiers: Orphanet 140162, MedGen C0027672, MeSH D009386, MONDO:0015356.

Submission:

Ambry Genetics
Classification: Uncertain significance for Hereditary cancer-predisposing syndrome. Last evaluated: 2025-04-10. Review status: criteria provided, single submitter. Criteria: Ambry Variant Classification Scheme 2023. Collection method: clinical testing. Allele origin: germline.
Comment: The p.Q383K variant (also known as c.1147C>A), located in coding exon 10 of the MRE11A gene, results from a C to A substitution at nucleotide position 1147. The glutamine at codon 383 is replaced by lysine, an amino acid with similar properties. This amino acid position is conserved. In addition, this alteration is predicted to be deleterious by in silico analysis. Based on the available evidence, the clinical significance of this variant remains unclear.

NM_005591.4(MRE11):c.1147C>A (p.Gln383Lys)

Gene: MRE11 (MRE11 double strand break repair nuclease; minus strand). Cytogenetic location: 11q21.
Variant type: single nucleotide variant.
Coding change: c.1147C>A on transcript NM_005591.4 (MANE Select); coding-DNA position 1147, C replaced by A.
Protein change: p.Gln383Lys; replaces glutamine 383 with lysine.
Molecular consequence: missense variant.
Genome position (GRCh38, 1-based): chr11:94,464,191, G>T on the plus strand (C>A on the coding strand, the complement: MRE11 is on the minus strand). VCF-style: chr11-94464191-G-T. GRCh37 (hg19) VCF-style: chr11-94197357-G-T.
Other names: c.1147C>A, p.Gln383Lys (NM_001330347.2, NM_005590.4); short protein forms Q383K.
Identifiers: ClinVar variation 3912870 (VCV003912870.1).